The following is an entry in ClinVar:

ClinVar aggregate classification (germline): Likely benign. Review status: criteria provided, single submitter (1 of 4 stars). 2 submissions from 2 submitters: Likely benign (1). 1 of the submissions does not count toward it. Last evaluated 2024-11-15.

Conditions:
NKX2-5-related disorder. Also called: NKX2-5-related condition.

Submissions (2):

Blueprint Genetics
Classification: Likely benign. Last evaluated: 2024-11-15. Review status: criteria provided, single submitter. Criteria: ACMG Guidelines, 2015. Collection method: clinical testing. Allele origin: germline.

PreventionGenetics, part of Exact Sciences
Classification: Likely benign for NKX2-5-related condition. Last evaluated: 2021-11-30. Review status: no assertion criteria provided. Collection method: clinical testing. Allele origin: germline. Not counted in ClinVar's aggregate classification.
Comment: This variant is classified as likely benign based on ACMG/AMP sequence variant interpretation guidelines (Richards et al. 2015 PMID: 25741868, with internal and published modifications).

NM_004387.4(NKX2-5):c.335-298_335-297dup

Gene: NKX2-5 (NK2 homeobox 5; minus strand). Cytogenetic location: 5q35.1.
Variant type: Duplication.
Coding change: c.335-298_335-297dup on transcript NM_004387.4 (MANE Select); 298 bases into the intron before coding-DNA position 335 through 297 bases into the intron before coding-DNA position 335, 2 bases duplicated (TT; older notation c.335-298_335-297dupTT).
Molecular consequence: intron variant.
Genome position (GRCh38, 1-based): chr5:173,233,506-173,233,507, AA duplicated on the plus strand (TT on the coding strand, the reverse complement: NKX2-5 is on the minus strand); duplicating any 2 consecutive bases within chr5:173,233,506-173,233,519 gives the same sequence; the c. name uses the placement nearest the transcript's 3' end. VCF-style (leftmost placement, unchanged base first): chr5-173233505-C-CAA. GRCh37 (hg19) VCF-style: chr5-172660508-C-CAA.
Other names: c.335-43_335-42dup (NM_001166176.2); c.335-6_335-5dup (NM_001166175.2).
Identifiers: ClinVar variation 3042201 (VCV003042201.3), dbSNP rs763099269, ClinGen allele CA3563745.